The following is an entry in ClinVar:

NM_021930.6(RINT1):c.749A>C (p.Gln250Pro)

Gene: RINT1 (RAD50 interactor 1; plus strand). Cytogenetic location: 7q22.3.
Variant type: single nucleotide variant.
Coding change: c.749A>C on transcript NM_021930.6 (MANE Select); coding-DNA position 749, A replaced by C.
Protein change: p.Gln250Pro; replaces glutamine 250 with proline.
Molecular consequence: missense variant. On other transcripts: 5 prime UTR variant (2), non-coding transcript variant (1), intron variant (1).
Genome position (GRCh38, 1-based): chr7:105,547,243, A>C. VCF-style: chr7-105547243-A-C. GRCh37 (hg19) VCF-style: chr7-105187690-A-C.
Other names: c.515A>C, p.Gln172Pro (NM_001346599.2); c.-271A>C (NM_001346600.2); c.-174A>C (NM_001346601.2); c.-27-2812A>C (NM_001346603.2); short protein forms Q172P, Q250P.
Identifiers: ClinVar variation 1759179 (VCV001759179.2), dbSNP rs1790707317, ClinGen allele CA368806305.

ClinVar aggregate classification (germline): Uncertain significance (1 of 4 stars; one submission).

Allele frequency attached by ClinVar (database versions not stated): gnomAD exomes below 0.00001; TOPMed below 0.00001.
gnomAD v4.1: 1 of 1,614,186 alleles (0.000062%); highest among the groups gnomAD compares: South Asian, 0.0011%; no homozygotes.

Submission:

Ambry Genetics
Classification: Uncertain significance. Last evaluated: 2022-05-17. Review status: criteria provided, single submitter. Criteria: Ambry Variant Classification Scheme 2023. Collection method: clinical testing. Allele origin: germline.
Comment: The p.Q250P variant (also known as c.749A>C), located in coding exon 6 of the RINT1 gene, results from an A to C substitution at nucleotide position 749. The glutamine at codon 250 is replaced by proline, an amino acid with similar properties. This amino acid position is conserved. In addition, this alteration is predicted to be tolerated by in silico analysis. Since supporting evidence is limited at this time, the clinical significance of this alteration remains unclear.